The following is an entry in ClinVar:

NM_002693.3(POLG):c.3652C>T (p.Leu1218=)

Genes: FANCI (FA complementation group I; plus strand), POLG (DNA polymerase gamma, catalytic subunit; minus strand). Cytogenetic location: 15q26.1.
Variant type: single nucleotide variant.
Coding change: c.3652C>T on transcript NM_002693.3 (MANE Select); coding-DNA position 3652, C replaced by T.
Protein change: p.Leu1218=; no amino-acid change (leucine 1218 retained).
Molecular consequence: synonymous variant. On other transcripts: 3 prime UTR variant (4).
Genome position (GRCh38, 1-based): chr15:89,316,819, G>A on the plus strand (C>T on the coding strand, the complement: POLG is on the minus strand). VCF-style: chr15-89316819-G-A. GRCh37 (hg19) VCF-style: chr15-89860050-G-A.
Other names: p.L1218L:CTG>TTG; p.Leu1218=; c.3652C>T, p.Leu1218= (NM_001126131.2); c.*360G>A (NM_001113378.2, NM_001376910.1, NM_001376911.1 and 1 more transcripts).
Identifiers: ClinVar variation 206489 (VCV000206489.19), dbSNP rs146301349, ClinGen allele CA316629.

ClinVar aggregate classification (germline): Conflicting classifications of pathogenicity. Review status: criteria provided, conflicting classifications (1 of 4 stars). 7 submissions from 7 submitters: Uncertain significance (1); Benign (1); Likely benign (4). 1 of the submissions does not count toward it. Last evaluated 2026-01-26.

Conditions:
POLG-related disorder. Also called: POLG-Related Spectrum Disorders; POLG-related condition; POLG-Related Disorders. Identifiers: MedGen C4763519.
Progressive sclerosing poliodystrophy (MTDPS4A). Also called: Alpers-Huttenlocher Syndrome; Mitochondrial DNA Depletion Syndrome 4A; ALPERS PROGRESSIVE INFANTILE POLIODYSTROPHY; ALPERS DIFFUSE DEGENERATION OF CEREBRAL GRAY MATTER WITH HEPATIC CIRRHOSIS; Alpers Syndrome; Alpers-Huttenlocher Syndrome (AHS). Identifiers: Orphanet 726, MedGen C0205710, MONDO:0008758, OMIM 203700.

Allele frequency attached by ClinVar (database versions not stated): gnomAD exomes 0.00005 and 0.00007; ExAC 0.00014; gnomAD 0.00029 and 0.00032; 1000 Genomes Project 30x 0.00031; TOPMed 0.00034; 1000 Genomes Project 0.00040; ESP Exome Variant Server 0.00085.
gnomAD v4.1: 118 of 1,613,442 alleles (0.0073%); highest among the groups gnomAD compares: African/African-American, 0.14%; no homozygotes.

Submissions (7):

Labcorp Genetics (formerly Invitae), Labcorp
Classification: Likely benign for Progressive sclerosing poliodystrophy. Last evaluated: 2026-01-26. Review status: criteria provided, single submitter. Criteria: Invitae Variant Classification Sherloc (09022015). Collection method: clinical testing. Allele origin: germline.

Mayo Clinic Laboratories, Mayo Clinic
Classification: Likely benign. Last evaluated: 2025-01-27. Review status: criteria provided, single submitter. Criteria: ACMG Guidelines, 2015. Collection method: clinical testing. Allele origin: germline. Observed: 2 variant alleles.
Comment: BP4, BP7

Blueprint Genetics
Classification: Likely benign. Last evaluated: 2024-07-16. Review status: criteria provided, single submitter. Criteria: ACMG Guidelines, 2015. Collection method: clinical testing. Allele origin: germline.

Wong Mito Lab, Molecular and Human Genetics, Baylor College of Medicine
Classification: Likely benign for Progressive sclerosing poliodystrophy. Last evaluated: 2018-10-01. Review status: criteria provided, single submitter. Criteria: ACMG Guidelines, 2015. Collection method: clinical testing. Allele origin: germline.
Comment: The NM_002693.2:c.3652C>T (NP_002684.1:p.Leu1218=) [GRCH38: NC_000015.10:g.89316819G>A] variant in FANCI gene is interpretated to be a Likely Benign based on ACMG guidelines (PMID: 25741868). This variant meets the following evidence codes reported in the ACMG-guideline. BP4:Computational evidence/predictors indicate no impact on the FANCI structure, function, or protein-protein interaction. BP7:The variant is silent with non predicted splice impact. Based on the evidence criteria codes applied, the variant is suggested to be Likely Benign.

Eurofins Ntd Llc (ga)
Classification: Uncertain significance. Last evaluated: 2018-08-22. Review status: criteria provided, single submitter. Criteria: EGL ClinVar v180209 classification definitions. Collection method: clinical testing. Allele origin: germline. Observed: 2 variant alleles, 2 heterozygotes.

GeneDx
Classification: Benign. Last evaluated: 2014-11-21. Review status: criteria provided, single submitter. Criteria: GeneDx Variant Classification (06012015). Collection method: clinical testing. Allele origin: germline. Affected: yes.
Comment: This variant is considered likely benign or benign based on one or more of the following criteria: it is a conservative change, it occurs at a poorly conserved position in the protein, it is predicted to be benign by multiple in silico algorithms, and/or has population frequency not consistent with disease.

PreventionGenetics, part of Exact Sciences
Classification: Likely benign for POLG-related condition. Last evaluated: 2023-01-24. Review status: no assertion criteria provided. Collection method: clinical testing. Allele origin: germline. Not counted in ClinVar's aggregate classification.
Comment: This variant is classified as likely benign based on ACMG/AMP sequence variant interpretation guidelines (Richards et al. 2015 PMID: 25741868, with internal and published modifications).